The following is an entry in ClinVar:

NM_005633.4(SOS1):c.3597A>C (p.Ser1199=)

Gene: SOS1 (SOS Ras/Rac guanine nucleotide exchange factor 1; minus strand). Cytogenetic location: 2p22.1.
Variant type: single nucleotide variant.
Coding change: c.3597A>C on transcript NM_005633.4 (MANE Select); coding-DNA position 3597, A replaced by C.
Protein change: p.Ser1199=; no amino-acid change (serine 1199 retained).
Molecular consequence: synonymous variant.
Genome position (GRCh38, 1-based): chr2:38,986,229, T>G on the plus strand (A>C on the coding strand, the complement: SOS1 is on the minus strand). VCF-style: chr2-38986229-T-G. GRCh37 (hg19) VCF-style: chr2-39213370-T-G.
Other names: c.3576A>C, p.Ser1192= (NM_001382394.1); c.3552A>C, p.Ser1184= (NM_001382395.1).
Identifiers: ClinVar variation 2672808 (VCV002672808.23), dbSNP rs2528872381, ClinGen allele CA425732338.
Genomic context (GRCh38, chr2:38,986,229, plus strand): 5'-AGGTTCTCGTGGTGGTAATAAGGGAGGGCTTTCAGGAGGGTCTGAGATAGAGGTCCGGTC[T>G]GATATTGAATATCGTGGTGAATAGGCTTTTGATGTGGGTTGCCTAGGAGGAATGGCTGGG-3'
Protein context (NP_005624.2, residues 1189-1209): SKAYSPRYSI[Ser1199=]DRTSISDPPE

ClinVar aggregate classification (germline): Likely benign (1 of 4 stars; one submission).

Submission:

CeGaT Center for Human Genetics Tuebingen
Classification: Likely benign. Last evaluated: 2023-11-01. Review status: criteria provided, single submitter. Criteria: CeGaT Center For Human Genetics Tuebingen Variant Classification Criteria Version 2. Collection method: clinical testing. Allele origin: germline. Affected: yes. Observed: 1 variant allele.
Comment: SOS1: PM2:Supporting, BP4, BP7